The following is an entry in ClinVar:

NM_000053.4(ATP7B):c.2976C>T (p.Pro992=)

Gene: ATP7B (ATPase copper transporting beta; minus strand). Cytogenetic location: 13q14.3.
Variant type: single nucleotide variant.
Coding change: c.2976C>T on transcript NM_000053.4 (MANE Select); coding-DNA position 2976, C replaced by T.
Protein change: p.Pro992=; no amino-acid change (proline 992 retained).
Molecular consequence: synonymous variant. On other transcripts: intron variant (6).
Genome position (GRCh38, 1-based): chr13:51,946,368, G>A on the plus strand (C>T on the coding strand, the complement: ATP7B is on the minus strand). VCF-style: chr13-51946368-G-A. GRCh37 (hg19) VCF-style: chr13-52520504-G-A.
Other names: c.2976C>T (NM_000053.3); c.2355C>T, p.Pro785= (NM_001005918.3); c.2643C>T, p.Pro881= (NM_001243182.2); c.2742C>T, p.Pro914= (NM_001330578.2, NM_001406527.1, NM_001406528.1 and 1 more transcripts); c.2724C>T, p.Pro908= (NM_001330579.2, NM_001406531.1, NM_001406532.1); c.2976C>T, p.Pro992= (NM_001406511.1, NM_001406512.1, NM_001406513.1 and 2 more transcripts); c.2943C>T, p.Pro981= (NM_001406514.1); c.2922C>T, p.Pro974= (NM_001406515.1, NM_001406516.1); and 19 more.
Identifiers: ClinVar variation 2910596 (VCV002910596.4), dbSNP rs746358240, ClinGen allele CA6988852.

ClinVar aggregate classification (germline): Likely benign. Review status: criteria provided, multiple submitters, no conflicts (2 of 4 stars). 2 submissions from 2 submitters: Likely benign (2). Last evaluated 2026-03-25.

Conditions:
ATP7B-related disorder. Also called: ATP7B-related condition.
Wilson disease (WND). Also called: Wilson's disease. Identifiers: Orphanet 905, MedGen C0019202, MONDO:0010200, OMIM 277900. Disease mechanism: loss of function.

gnomAD v4.1: 8 of 1,613,462 alleles (0.0005%); highest among the groups gnomAD compares: South Asian, 0.0088%; no homozygotes.

Submissions (2):

PreventionGenetics, part of Exact Sciences
Classification: Likely benign for ATP7B-related condition. Last evaluated: 2026-03-25. Review status: criteria provided, single submitter. Criteria: ACMG Guidelines, 2015. Collection method: clinical testing. Allele origin: germline.
Comment: This variant is classified as likely benign based on ACMG/AMP sequence variant interpretation guidelines (Richards et al. 2015 PMID: 25741868, with internal and published modifications).

Labcorp Genetics (formerly Invitae), Labcorp
Classification: Likely benign for Wilson disease. Last evaluated: 2023-09-21. Review status: criteria provided, single submitter. Criteria: Invitae Variant Classification Sherloc (09022015). Collection method: clinical testing. Allele origin: germline.